The following is an entry in ClinVar:

NM_003919.3(SGCE):c.86C>G (p.Thr29Ser)

Gene: SGCE (sarcoglycan epsilon; minus strand). Cytogenetic location: 7q21.3.
Variant type: single nucleotide variant.
Coding change: c.86C>G on transcript NM_003919.3 (MANE Select); coding-DNA position 86, C replaced by G.
Protein change: p.Thr29Ser; replaces threonine 29 with serine.
Molecular consequence: missense variant. On other transcripts: 5 prime UTR variant (4).
Genome position (GRCh38, 1-based): chr7:94,656,013, G>C on the plus strand (C>G on the coding strand, the complement: SGCE is on the minus strand). VCF-style: chr7-94656013-G-C. GRCh37 (hg19) VCF-style: chr7-94285325-G-C.
Other names: c.86C>G, p.Thr29Ser (NM_001099400.2, NM_001099401.2, NM_001301139.2 and 4 more transcripts); c.-172C>G (NM_001346719.2); c.-250C>G (NM_001346720.2, NM_001362808.2); c.-178C>G (NM_001362807.2); short protein forms T29S.
Identifiers: ClinVar variation 4726207 (VCV004726207.1).

ClinVar aggregate classification (germline): Uncertain significance (1 of 4 stars; one submission).

Conditions:
Myoclonic dystonia 11 (DYT11). Also called: Myoclonic dystonia; Dystonia 11; Dystonia, alcohol responsive; Hereditary essential myoclonus; SGCE Myoclonus-Dystonia; Myoclonus-Dystonia. Identifiers: Orphanet 36899, MedGen C1834570, MONDO:0008044, OMIM 159900.

Submission:

Labcorp Genetics (formerly Invitae), Labcorp
Classification: Uncertain significance for Myoclonic dystonia 11. Last evaluated: 2025-08-29. Review status: criteria provided, single submitter. Criteria: Invitae Variant Classification Sherloc (09022015). Collection method: clinical testing. Allele origin: germline.
Comment: This sequence change replaces threonine, which is neutral and polar, with serine, which is neutral and polar, at codon 29 of the SGCE protein (p.Thr29Ser). This variant is not present in population databases (gnomAD no frequency). This variant has not been reported in the literature in individuals affected with SGCE-related conditions. An algorithm developed to predict the effect of missense changes on protein structure and function (PolyPhen-2) suggests that this variant is likely to be tolerated. In summary, the available evidence is currently insufficient to determine the role of this variant in disease. Therefore, it has been classified as a Variant of Uncertain Significance.